The following is an entry in ClinVar:

ClinVar aggregate classification (germline): Conflicting classifications of pathogenicity. Review status: criteria provided, conflicting classifications (1 of 4 stars). 7 submissions from 7 submitters: Uncertain significance (1); Likely benign (6). Last evaluated 2026-06-01.

Conditions:
Inborn genetic diseases. Identifiers: MedGen C0950123, MeSH D030342.
MOGS-congenital disorder of glycosylation. Also called: GLUCOSIDASE I DEFICIENCY; MOGS-CDG; CDG IIb; CDG 2B. Identifiers: Orphanet 79330, MedGen C1853736, MONDO:0011629, OMIM 606056.

Allele frequency attached by ClinVar (database versions not stated): ESP Exome Variant Server 0.00016; gnomAD exomes 0.00023 and 0.00035; ExAC 0.00029; TOPMed 0.00032; gnomAD 0.00033 and 0.00034.
gnomAD v4.1: 389 of 1,614,106 alleles (0.024%); highest among the groups gnomAD compares: Middle Eastern, 0.26%; no homozygotes.

Submissions (7):

CeGaT Center for Human Genetics Tuebingen
Classification: Likely benign. Last evaluated: 2026-06-01. Review status: criteria provided, single submitter. Criteria: CeGaT Center For Human Genetics Tuebingen Variant Classification Criteria Version 2. Collection method: clinical testing. Allele origin: germline. Affected: yes. Observed: 2 variant alleles.
Comment: MOGS: BP4, BP7

Labcorp Genetics (formerly Invitae), Labcorp
Classification: Likely benign for MOGS-congenital disorder of glycosylation. Last evaluated: 2026-01-02. Review status: criteria provided, single submitter. Criteria: Invitae Variant Classification Sherloc (09022015). Collection method: clinical testing. Allele origin: germline.

Blueprint Genetics
Classification: Likely benign. Last evaluated: 2024-10-23. Review status: criteria provided, single submitter. Criteria: ACMG Guidelines, 2015. Collection method: clinical testing. Allele origin: germline.

Ambry Genetics
Classification: Likely benign for Inborn genetic diseases. Last evaluated: 2022-03-02. Review status: criteria provided, single submitter. Criteria: Ambry Variant Classification Scheme 2023. Collection method: clinical testing. Allele origin: germline.

ARUP Laboratories, Molecular Genetics and Genomics, ARUP Laboratories
Classification: Likely benign for MOGS-congenital disorder of glycosylation. Last evaluated: 2019-03-11. Review status: criteria provided, single submitter. Criteria: ARUP Molecular Germline Variant Investigation Process. Collection method: clinical testing. Allele origin: germline.

GeneDx
Classification: Likely benign. Last evaluated: 2018-03-15. Review status: criteria provided, single submitter. Criteria: GeneDx Variant Classification (06012015). Collection method: clinical testing. Allele origin: germline. Affected: yes.
Comment: This variant is considered likely benign or benign based on one or more of the following criteria: it is a conservative change, it occurs at a poorly conserved position in the protein, it is predicted to be benign by multiple in silico algorithms, and/or has population frequency not consistent with disease.

Eurofins Ntd Llc (ga)
Classification: Uncertain significance. Last evaluated: 2013-05-28. Review status: criteria provided, single submitter. Criteria: EGL Classification Definitions 2015. Collection method: clinical testing. Allele origin: germline. Observed: 1 variant allele, 1 heterozygote.

NM_006302.3(MOGS):c.499A>C (p.Arg167=)

Gene: MOGS (mannosyl-oligosaccharide glucosidase; minus strand). Cytogenetic location: 2p13.1.
Variant type: single nucleotide variant.
Coding change: c.499A>C on transcript NM_006302.3 (MANE Select); coding-DNA position 499, A replaced by C.
Protein change: p.Arg167=; no amino-acid change (arginine 167 retained).
Molecular consequence: synonymous variant.
Genome position (GRCh38, 1-based): chr2:74,464,576, T>G on the plus strand (A>C on the coding strand, the complement: MOGS is on the minus strand). VCF-style: chr2-74464576-T-G. GRCh37 (hg19) VCF-style: chr2-74691703-T-G.
Other names: c.499A>C, p.Arg167= (LRG_1226t1); c.181A>C, p.Arg61= (NM_001146158.2).
Identifiers: ClinVar variation 95360 (VCV000095360.48), dbSNP rs371747622, ClinGen allele CA222921.
Genomic context (GRCh38, chr2:74,464,576, plus strand): 5'-TCCAGCTCCAGTCCCCTCCGTGCTGACCCCCAGGCCTCTTGACGAACTCAGTGGTGAGCC[T>G]TAAGGCCCCATCCTGGATGTGTTGGCGCCCGAAGGAGAGGCCGTCGTGGAACTCCCAGCC-3'
Protein context (NP_006293.2, residues 157-177): GRQHIQDGAL[Arg167=]LTTEFVKRPG